The following is an entry in ClinVar:

ClinVar aggregate classification (germline): Benign/Likely benign. Review status: criteria provided, multiple submitters, no conflicts (2 of 4 stars). 2 submissions from 2 submitters: Benign (1); Likely benign (1). Last evaluated 2014-09-22.

Allele frequency attached by ClinVar (database versions not stated): gnomAD exomes 0.00007; ExAC 0.00009; TOPMed 0.00014; gnomAD 0.00015; 1000 Genomes Project 30x 0.00016; 1000 Genomes Project 0.00020; ESP Exome Variant Server 0.00038.
gnomAD v4.1: 51 of 1,606,322 alleles (0.0032%); highest among the groups gnomAD compares: African/African-American, 0.059%; no homozygotes.

Submissions (2):

GeneDx
Classification: Benign. Last evaluated: 2014-09-22. Review status: criteria provided, single submitter. Criteria: GeneDx Variant Classification (06012015). Collection method: clinical testing. Allele origin: germline. Affected: yes.
Comment: This variant is considered likely benign or benign based on one or more of the following criteria: it is a conservative change, it occurs at a poorly conserved position in the protein, it is predicted to be benign by multiple in silico algorithms, and/or has population frequency not consistent with disease.

Laboratory for Molecular Medicine, Mass General Brigham Personalized Medicine
Classification: Likely benign. Last evaluated: 2011-12-21. Review status: criteria provided, single submitter. Criteria: LMM Criteria. Collection method: clinical testing. Allele origin: germline. Observed: 1 variant allele.
Comment: -22-15C>G in intron 1 of ACTC: This variant is not expected to have clinical sig nificance because it is not located within the splice consensus sequence and has been identified in 3/3738 African American chromosomes by the NHBLI Exome seque ncing project in a clinical cohort that included individuals with heart disease. -22-15C>G in intron 1 of ACTC (NHBLI Exome Seq Project; 3/3738)

NM_005159.5(ACTC1):c.-22-15C>G

Genes: GJD2-DT (GJD2 divergent transcript; plus strand), ACTC1 (actin alpha cardiac muscle 1; minus strand). Cytogenetic location: 15q14.
Variant type: single nucleotide variant.
Coding change: c.-22-15C>G on transcript NM_005159.5 (MANE Select); 15 bases into the intron before 22 bases upstream of the start codon, C replaced by G.
Molecular consequence: intron variant.
Genome position (GRCh38, 1-based): chr15:34,794,845, G>C on the plus strand (C>G on the coding strand, the complement: ACTC1 is on the minus strand). VCF-style: chr15-34794845-G-C. GRCh37 (hg19) VCF-style: chr15-35087046-G-C.
Identifiers: ClinVar variation 45169 (VCV000045169.4), dbSNP rs368171271, ClinGen allele CA019694.